The following is an entry in ClinVar:

ClinVar aggregate classification (germline): Likely benign. Review status: criteria provided, multiple submitters, no conflicts (2 of 4 stars). 2 submissions from 2 submitters: Likely benign (2). Last evaluated 2026-04-22.

Conditions:
Peroxisome biogenesis disorder. Identifiers: Orphanet 79189, MedGen C1832200, MONDO:0019234. Disease mechanism: loss of function.
PEX6-related disorder. Also called: PEX6-related disorders; PEX6-related condition.

Submissions (2):

PreventionGenetics, part of Exact Sciences
Classification: Likely benign for PEX6-related condition. Last evaluated: 2026-04-22. Review status: criteria provided, single submitter. Criteria: ACMG Guidelines, 2015. Collection method: clinical testing. Allele origin: germline.
Comment: This variant is classified as likely benign based on ACMG/AMP sequence variant interpretation guidelines (Richards et al. 2015 PMID: 25741868, with internal and published modifications).

Labcorp Genetics (formerly Invitae), Labcorp
Classification: Likely benign for Peroxisome biogenesis disorder. Last evaluated: 2023-12-05. Review status: criteria provided, single submitter. Criteria: Invitae Variant Classification Sherloc (09022015). Collection method: clinical testing. Allele origin: germline.

NM_000287.4(PEX6):c.1896A>T (p.Val632=)

Gene: PEX6 (peroxisomal biogenesis factor 6; minus strand). Cytogenetic location: 6p21.1.
Variant type: single nucleotide variant.
Coding change: c.1896A>T on transcript NM_000287.4 (MANE Select); coding-DNA position 1896, A replaced by T.
Protein change: p.Val632=; no amino-acid change (valine 632 retained).
Molecular consequence: synonymous variant. On other transcripts: non-coding transcript variant (1).
Genome position (GRCh38, 1-based): chr6:42,966,847, T>A on the plus strand (A>T on the coding strand, the complement: PEX6 is on the minus strand). VCF-style: chr6-42966847-T-A. GRCh37 (hg19) VCF-style: chr6-42934585-T-A.
Other names: c.1632A>T, p.Val544= (NM_001316313.2); c.1896A>T (NM_000287.3).
Identifiers: ClinVar variation 1078734 (VCV001078734.10), dbSNP rs2114241015, ClinGen allele CA450366053.